The following is an entry in ClinVar:

NM_014629.4(ARHGEF10):c.1804G>A (p.Glu602Lys)

Gene: ARHGEF10 (Rho guanine nucleotide exchange factor 10; plus strand). Cytogenetic location: 8p23.3.
Variant type: single nucleotide variant.
Coding change: c.1804G>A on transcript NM_014629.4 (MANE Select); coding-DNA position 1804, G replaced by A.
Protein change: p.Glu602Lys; replaces glutamic acid 602 with lysine.
Molecular consequence: missense variant.
Genome position (GRCh38, 1-based): chr8:1,903,434, G>A. VCF-style: chr8-1903434-G-A. GRCh37 (hg19) VCF-style: chr8-1851600-G-A.
Other names: c.1804G>A, p.Glu602Lys (NM_001308153.3); c.1690G>A, p.Glu564Lys (NM_001308152.2); short protein forms E564K, E602K, E626K.
Identifiers: ClinVar variation 3625563 (VCV003625563.3).

ClinVar aggregate classification (germline): Uncertain significance. Review status: criteria provided, multiple submitters, no conflicts (2 of 4 stars). 2 submissions from 2 submitters: Uncertain significance (2). Last evaluated 2025-06-25.

gnomAD v4.1: 25 of 1,614,188 alleles (0.0015%); highest among the groups gnomAD compares: East Asian, 0.0022%; no homozygotes.

Submissions (2):

Ambry Genetics
Classification: Uncertain significance. Last evaluated: 2025-06-25. Review status: criteria provided, single submitter. Criteria: Ambry Variant Classification Scheme 2023. Collection method: clinical testing. Allele origin: germline.

Labcorp Genetics (formerly Invitae), Labcorp
Classification: Uncertain significance. Last evaluated: 2024-02-10. Review status: criteria provided, single submitter. Criteria: Invitae Variant Classification Sherloc (09022015). Collection method: clinical testing. Allele origin: germline.
Comment: This sequence change replaces glutamic acid, which is acidic and polar, with lysine, which is basic and polar, at codon 602 of the ARHGEF10 protein (p.Glu602Lys). This variant is present in population databases (rs556107310, gnomAD 0.006%). This variant has not been reported in the literature in individuals affected with ARHGEF10-related conditions. Advanced modeling of protein sequence and biophysical properties (such as structural, functional, and spatial information, amino acid conservation, physicochemical variation, residue mobility, and thermodynamic stability) performed at Invitae indicates that this missense variant is not expected to disrupt ARHGEF10 protein function with a negative predictive value of 80%. In summary, the available evidence is currently insufficient to determine the role of this variant in disease. Therefore, it has been classified as a Variant of Uncertain Significance.